The following is an entry in ClinVar:

NM_000492.4(CFTR):c.3394A>G (p.Ile1132Val)

Genes: CFTR (CF transmembrane conductance regulator; plus strand), CFTR-AS2 (CFTR antisense RNA 2; minus strand). Cytogenetic location: 7q31.2.
Variant type: single nucleotide variant.
Coding change: c.3394A>G on transcript NM_000492.4 (MANE Select); coding-DNA position 3394, A replaced by G.
Protein change: p.Ile1132Val; replaces isoleucine 1132 with valine.
Molecular consequence: missense variant.
Genome position (GRCh38, 1-based): chr7:117,614,639, A>G. VCF-style: chr7-117614639-A-G. GRCh37 (hg19) VCF-style: chr7-117254693-A-G.
Other names: short protein forms I1132V.
Identifiers: ClinVar variation 3266691 (VCV003266691.1).

ClinVar aggregate classification (germline): Uncertain significance (1 of 4 stars; one submission).

Conditions:
Cystic fibrosis (CF). Also called: MUCOVISCIDOSIS. Identifiers: Orphanet 586, MedGen C0010674, MONDO:0009061, OMIM 219700. Disease mechanism: loss of function.

Submission:

Ambry Genetics
Classification: Uncertain significance for Cystic fibrosis. Last evaluated: 2024-05-28. Review status: criteria provided, single submitter. Criteria: Ambry Variant Classification Scheme 2023. Collection method: clinical testing. Allele origin: germline.
Comment: The p.I1132V variant (also known as c.3394A>G), located in coding exon 21 of the CFTR gene, results from an A to G substitution at nucleotide position 3394. The isoleucine at codon 1132 is replaced by valine, an amino acid with highly similar properties. This amino acid position is conserved. In addition, the in silico prediction for this alteration is inconclusive. Based on the available evidence, the clinical significance of this variant remains unclear.